The following is an entry in ClinVar:

NM_005591.4(MRE11):c.157G>A (p.Asp53Asn)

Gene: MRE11 (MRE11 double strand break repair nuclease; minus strand). Cytogenetic location: 11q21.
Variant type: single nucleotide variant.
Coding change: c.157G>A on transcript NM_005591.4 (MANE Select); coding-DNA position 157, G replaced by A.
Protein change: p.Asp53Asn; replaces aspartic acid 53 with asparagine.
Molecular consequence: missense variant.
Genome position (GRCh38, 1-based): chr11:94,486,081, C>T on the plus strand (G>A on the coding strand, the complement: MRE11 is on the minus strand). VCF-style: chr11-94486081-C-T. GRCh37 (hg19) VCF-style: chr11-94219247-C-T.
Other names: c.157G>A, p.Asp53Asn (NM_001330347.2, NM_005590.4); short protein forms D53N.
Identifiers: ClinVar variation 1799631 (VCV001799631.3), dbSNP rs2496621779, ClinGen allele CA382380000.

ClinVar aggregate classification (germline): Uncertain significance (1 of 4 stars; one submission).

Conditions:
Hereditary cancer-predisposing syndrome. Also called: Neoplastic Syndromes, Hereditary; Tumor predisposition; Hereditary Cancer Syndrome; Hereditary neoplastic syndrome. Identifiers: Orphanet 140162, MedGen C0027672, MeSH D009386, MONDO:0015356.

Submission:

Ambry Genetics
Classification: Uncertain significance for Hereditary cancer-predisposing syndrome. Last evaluated: 2025-06-09. Review status: criteria provided, single submitter. Criteria: Ambry Variant Classification Scheme 2023. Collection method: clinical testing. Allele origin: germline.
Comment: The p.D53N variant (also known as c.157G>A), located in coding exon 3 of the MRE11A gene, results from a G to A substitution at nucleotide position 157. The aspartic acid at codon 53 is replaced by asparagine, an amino acid with highly similar properties. This amino acid position is highly conserved in available vertebrate species. In addition, the in silico prediction for this alteration is inconclusive. Since supporting evidence is limited at this time, the clinical significance of this alteration remains unclear.